The following is an entry in ClinVar:

NM_001042475.3(CEP85L):c.182C>T (p.Ser61Phe)

Gene: CEP85L (centrosomal protein 85L; minus strand). Cytogenetic location: 6q22.31.
Variant type: single nucleotide variant.
Coding change: c.182C>T on transcript NM_001042475.3 (MANE Select); coding-DNA position 182, C replaced by T.
Protein change: p.Ser61Phe; replaces serine 61 with phenylalanine.
Molecular consequence: missense variant.
Genome position (GRCh38, 1-based): chr6:118,632,503, G>A on the plus strand (C>T on the coding strand, the complement: CEP85L is on the minus strand). VCF-style: chr6-118632503-G-A. GRCh37 (hg19) VCF-style: chr6-118953666-G-A.
Other names: c.191C>T, p.Ser64Phe (NM_001178035.2); c.182C>T, p.Ser61Phe (NM_206921.3); short protein forms S64F, S61F.
Identifiers: ClinVar variation 438602 (VCV000438602.2), dbSNP rs1554234607, ClinGen allele CA365547182.

ClinVar aggregate classification (germline): Conflicting classifications of pathogenicity. Review status: criteria provided, conflicting classifications (1 of 4 stars). 3 submissions from 3 submitters: Likely pathogenic (1); Uncertain significance (2). Last evaluated 2026-01-09.

Conditions:
Lissencephaly 10. Identifiers: MedGen C5394354, MONDO:0030031, OMIM 618873.
Lissencephaly. Also called: Lissencephaly spectrum disorders. Identifiers: Orphanet 48471, MedGen C0266463, MeSH D054082, MONDO:0018838, HP:0001339.

Submissions (3):

Molecular Genetics Laboratory, Motol Hospital
Classification: Likely pathogenic for Lissencephaly 10. Last evaluated: 2026-01-09. Review status: criteria provided, single submitter. Criteria: ACMG Guidelines, 2015. Collection method: clinical testing. Allele origin: de novo. Inheritance: Sporadic. Affected: yes. Observed: 1 heterozygote.
Comment: Absent in non-Finnish European population (gnomAD v4.1.0) (PM2). Classified as VUS, but found in individuals with malformations of cortical development (VCV000438602.2) (PS4). Non-truncating non-synonymous variant located in the mutational hotspot (exon 2).

Institute of Human Genetics, University of Leipzig Medical Center
Classification: Uncertain significance for Lissencephaly 10. Last evaluated: 2021-01-07. Review status: criteria provided, single submitter. Criteria: ACMG Guidelines, 2015. Collection method: clinical testing. Allele origin: unknown. Affected: yes.

Lupski Lab, Baylor-Hopkins CMG, Baylor College of Medicine
Classification: Uncertain significance for Lissencephaly. Last evaluated: 2017-09-01. Review status: criteria provided, single submitter. Criteria: Wiszniewski et al. (Eur J Hum Genet. 2018). Collection method: research. Allele origin: de novo. Inheritance: Autosomal dominant inheritance. Affected: yes. Observed: 1 variant allele.

Literature cited by the submitters: PubMed 29706646 (cited by Molecular Genetics Laboratory, Motol Hospital).